The following is an entry in ClinVar:

ClinVar aggregate classification (germline): Uncertain significance (1 of 4 stars; one submission).

gnomAD v4.1: 4 of 1,612,894 alleles (0.00025%); highest among the groups gnomAD compares: Non-Finnish European, 0.00034%; no homozygotes.

Submission:

Ambry Genetics
Classification: Uncertain significance. Last evaluated: 2024-12-06. Review status: criteria provided, single submitter. Criteria: Ambry Variant Classification Scheme 2023. Collection method: clinical testing. Allele origin: germline.
Comment: The p.P806S variant (also known as c.2416C>T), located in coding exon 11 of the WNK2 gene, results from a C to T substitution at nucleotide position 2416. The proline at codon 806 is replaced by serine, an amino acid with similar properties. This amino acid position is conserved. In addition, this alteration is predicted to be tolerated by in silico analysis. Based on the available evidence, the clinical significance of this variant remains unclear.

NM_006648.4(WNK2):c.2416C>T (p.Pro806Ser)

Gene: WNK2 (WNK lysine deficient protein kinase 2; plus strand). Cytogenetic location: 9q22.31.
Variant type: single nucleotide variant.
Coding change: c.2416C>T on transcript NM_006648.4 (MANE Select); coding-DNA position 2416, C replaced by T.
Protein change: p.Pro806Ser; replaces proline 806 with serine.
Molecular consequence: missense variant.
Genome position (GRCh38, 1-based): chr9:93,258,964, C>T. VCF-style: chr9-93258964-C-T. GRCh37 (hg19) VCF-style: chr9-96021246-C-T.
Other names: c.2416C>T, p.Pro806Ser (NM_001282394.3); short protein forms P806S.
Identifiers: ClinVar variation 3470610 (VCV003470610.1).
Genomic context (GRCh38, chr9:93,258,964, plus strand): 5'-ACTGACACACTCCTGTGTCTCTTTCAGATGCCCCCGATTCCTGTTGTGCCCCCCATCACG[C>T]CCCTGGCGGGAATCGACGGCCTCCCTCCGGCCCTCCCAGACCTGCCGACCGCGACTGTGC-3'
Protein context (NP_006639.3, residues 796-816): PPIPVVPPIT[Pro806Ser]LAGIDGLPPA